The following is an entry in ClinVar:

NM_001458.5(FLNC):c.6932A>C (p.Glu2311Ala)

Genes: FLNC-AS1 (FLNC antisense RNA 1; minus strand), FLNC (filamin C; plus strand). Cytogenetic location: 7q32.1.
Variant type: single nucleotide variant.
Coding change: c.6932A>C on transcript NM_001458.5 (MANE Select); coding-DNA position 6932, A replaced by C.
Protein change: p.Glu2311Ala; replaces glutamic acid 2311 with alanine.
Molecular consequence: missense variant.
Genome position (GRCh38, 1-based): chr7:128,854,617, A>C. VCF-style: chr7-128854617-A-C. GRCh37 (hg19) VCF-style: chr7-128494671-A-C.
Other names: c.6833A>C, p.Glu2278Ala (NM_001127487.2); short protein forms E2278A, E2311A.
Identifiers: ClinVar variation 2083031 (VCV002083031.4), dbSNP rs2536665341, ClinGen allele CA369214231.

ClinVar aggregate classification (germline): Uncertain significance (1 of 4 stars; one submission).

Conditions:
Distal myopathy with posterior leg and anterior hand involvement. Also called: WILLIAMS DISTAL MYOPATHY. Identifiers: Orphanet 63273, MedGen C3279722, MONDO:0013550, OMIM 614065.
Hypertrophic cardiomyopathy 26. Also called: Cardiomyopathy, familial hypertrophic, 26. Identifiers: Orphanet 75249, MedGen C4310749, MONDO:0014883, OMIM 617047.
Myofibrillar myopathy 5. Also called: Filaminopathy (type); FILAMINOPATHY, AUTOSOMAL DOMINANT. Identifiers: Orphanet 171445, MedGen C1836050, MONDO:0012289, OMIM 609524.

Submission:

Labcorp Genetics (formerly Invitae), Labcorp
Classification: Uncertain significance for Distal myopathy with posterior leg and anterior hand involvement; Myofibrillar myopathy 5; Hypertrophic cardiomyopathy 26. Last evaluated: 2022-01-15. Review status: criteria provided, single submitter. Criteria: Invitae Variant Classification Sherloc (09022015). Collection method: clinical testing. Allele origin: germline.
Comment: In summary, the available evidence is currently insufficient to determine the role of this variant in disease. Therefore, it has been classified as a Variant of Uncertain Significance. Algorithms developed to predict the effect of sequence changes on RNA splicing suggest that this variant may create or strengthen a splice site. Algorithms developed to predict the effect of missense changes on protein structure and function are either unavailable or do not agree on the potential impact of this missense change (SIFT: "Deleterious"; PolyPhen-2: "Probably Damaging"; Align-GVGD: "Class C0"). This variant has not been reported in the literature in individuals affected with FLNC-related conditions. This variant is not present in population databases (gnomAD no frequency). This sequence change replaces glutamic acid, which is acidic and polar, with alanine, which is neutral and non-polar, at codon 2311 of the FLNC protein (p.Glu2311Ala).